The following is an entry in ClinVar:

ClinVar aggregate classification (germline): Uncertain significance. Review status: criteria provided, single submitter (1 of 4 stars). 2 submissions from 2 submitters: Uncertain significance (1). 1 of the submissions does not count toward it. Last evaluated 2024-07-31.

Conditions:
Inborn genetic diseases. Identifiers: MedGen C0950123, MeSH D030342.
ELN-related disorder.

gnomAD v4.1: 5 of 1,613,968 alleles (0.00031%); highest among the groups gnomAD compares: African/African-American, 0.0027%; no homozygotes.

Submissions (2):

Ambry Genetics
Classification: Uncertain significance for Inborn genetic diseases. Last evaluated: 2024-07-31. Review status: criteria provided, single submitter. Criteria: Ambry Variant Classification Scheme 2023. Collection method: clinical testing. Allele origin: germline.

PreventionGenetics, part of Exact Sciences
Classification: Uncertain significance for ELN-related condition. Last evaluated: 2024-09-17. Review status: no assertion criteria provided. Collection method: clinical testing. Allele origin: germline. Not counted in ClinVar's aggregate classification.
Comment: The ELN c.475C>T variant is predicted to result in the amino acid substitution p.Arg159Trp. To our knowledge, this variant has not been reported in the literature or in a large population database, indicating this variant is rare. At this time, the clinical significance of this variant is uncertain due to the absence of conclusive functional and genetic evidence.

NM_000501.4(ELN):c.475C>T (p.Arg159Trp)

Gene: ELN (elastin; plus strand). Cytogenetic location: 7q11.23.
Variant type: single nucleotide variant.
Coding change: c.475C>T on transcript NM_000501.4 (MANE Select); coding-DNA position 475, C replaced by T.
Protein change: p.Arg159Trp; replaces arginine 159 with tryptophan.
Molecular consequence: missense variant. On other transcripts: intron variant (1).
Genome position (GRCh38, 1-based): chr7:74,045,227, C>T. VCF-style: chr7-74045227-C-T. GRCh37 (hg19) VCF-style: chr7-73459557-C-T.
Other names: c.445C>T, p.Arg149Trp (NM_001081752.3, NM_001278917.2); c.490C>T, p.Arg164Trp (NM_001081753.3, NM_001081754.3); c.475C>T, p.Arg159Trp (NM_001081755.3, NM_001278912.2, NM_001278915.2 and 2 more transcripts); c.439C>T, p.Arg147Trp (NM_001278913.2); c.460C>T, p.Arg154Trp (NM_001278914.2); c.439+1307C>T (NM_001278918.2); c.475C>T (NM_000501.2); short protein forms R147W, R149W, R154W, R159W, R164W.
Identifiers: ClinVar variation 3353647 (VCV003353647.2).